The following is an entry in ClinVar:

NM_016604.4(KDM3B):c.4525C>G (p.Leu1509Val)

Gene: KDM3B (lysine demethylase 3B; plus strand). Cytogenetic location: 5q31.2.
Variant type: single nucleotide variant.
Coding change: c.4525C>G on transcript NM_016604.4 (MANE Select); coding-DNA position 4525, C replaced by G.
Protein change: p.Leu1509Val; replaces leucine 1509 with valine.
Molecular consequence: missense variant.
Genome position (GRCh38, 1-based): chr5:138,427,211, C>G. VCF-style: chr5-138427211-C-G. GRCh37 (hg19) VCF-style: chr5-137762900-C-G.
Other names: short protein forms L1509V.
Identifiers: ClinVar variation 4536320 (VCV004536320.1).
Genomic context (GRCh38, chr5:138,427,211, plus strand): 5'-CTATAACAAGCTAAGTCATCTTTCCTGCACTTTTATAGGTTTGAAGATCTGATGGAGAAC[C>G]TTCCTCTGCCAGAATATACCAAACGAGATGGCAGGCTCAATCTGGCCTCTAGGCTACCTA-3'
Protein context (NP_057688.3, residues 1499-1519): PTRFEDLMEN[Leu1509Val]PLPEYTKRDG

ClinVar aggregate classification (germline): Uncertain significance (1 of 4 stars; one submission).

Submission:

GeneDx
Classification: Uncertain significance. Last evaluated: 2025-05-31. Review status: criteria provided, single submitter. Criteria: GeneDx Variant Classification Process June 2021. Collection method: clinical testing. Allele origin: germline. Affected: yes.
Comment: Not observed at significant frequency in large population cohorts (gnomAD); In silico analysis suggests that this missense variant does not alter protein structure/function; Has not been previously published as pathogenic or benign to our knowledge